The following is an entry in ClinVar:

NM_001276345.2(TNNT2):c.145G>A (p.Glu49Lys)

Gene: TNNT2 (troponin T2, cardiac type; minus strand). Cytogenetic location: 1q32.1.
Variant type: single nucleotide variant.
Coding change: c.145G>A on transcript NM_001276345.2 (MANE Select); coding-DNA position 145, G replaced by A.
Protein change: p.Glu49Lys; replaces glutamic acid 49 with lysine.
Molecular consequence: missense variant.
Genome position (GRCh38, 1-based): chr1:201,368,180, C>T on the plus strand (G>A on the coding strand, the complement: TNNT2 is on the minus strand). VCF-style: chr1-201368180-C-T. GRCh37 (hg19) VCF-style: chr1-201337308-C-T.
Other names: c.145G>A, p.Glu49Lys (NM_000364.4, NM_001276346.2); c.115G>A, p.Glu39Lys (NM_001001430.3, NM_001001431.3, NM_001276347.2); c.100G>A, p.Glu34Lys (NM_001001432.3); c.115G>A (NM_001001430.2); short protein forms E49K, E34K, E39K.
Identifiers: ClinVar variation 918201 (VCV000918201.16), dbSNP rs757526942, ClinGen allele CA088017.

ClinVar aggregate classification (germline): Uncertain significance. Review status: criteria provided, multiple submitters, no conflicts (2 of 4 stars). 9 submissions from 7 submitters: Uncertain significance (9). Last evaluated 2026-04-05.

Conditions:
Cardiovascular phenotype. Identifiers: MedGen CN230736.
Cardiomyopathy (CMYO). Also called: Cardiomyopathies. Identifiers: Orphanet 167848, MedGen C0878544, MONDO:0004994, HP:0001638. Inheritance: Various modes of inheritance.
Hypertrophic cardiomyopathy 2. Also called: TNNT2-Related Familial Hypertrophic Cardiomyopathy. Identifiers: MedGen C1861864, MONDO:0007266, OMIM 115195.
Dilated cardiomyopathy 1D. Identifiers: Orphanet 154, Orphanet 54260, MedGen C1832243, MONDO:0011095, OMIM 601494.
Cardiomyopathy, familial restrictive, 3. Identifiers: Orphanet 75249, MedGen C2676271, MONDO:0012900, OMIM 612422.
TNNT2-related disorder. Also called: TNNT2-related condition.

Allele frequency attached by ClinVar (database versions not stated): gnomAD exomes 0.00001; ExAC 0.00002; TOPMed 0.00002.
gnomAD v4.1: 7 of 1,614,100 alleles (0.00043%); highest among the groups gnomAD compares: South Asian, 0.0044%; no homozygotes.

Submissions (9):

PreventionGenetics, part of Exact Sciences
Classification: Uncertain significance for TNNT2-related condition. Last evaluated: 2026-04-05. Review status: criteria provided, single submitter. Criteria: ACMG Guidelines, 2015. Collection method: clinical testing. Allele origin: germline.
Comment: The TNNT2 c.115G>A variant is predicted to result in the amino acid substitution p.Glu39Lys. This variant has been reported as a variant of uncertain significance in individuals with dilated or hypertrophic cardiomyopathy (Hirtle-Lewis et al. 2013. PubMed ID: 24037902; described as p.Glu49Lys in Table S8, McGurk et al. 2023. PubMed ID: 37652022). This variant is reported in 0.012% of alleles in individuals of African descent in gnomAD. At this time, the clinical significance of this variant is uncertain due to the absence of conclusive functional and genetic evidence.

Labcorp Genetics (formerly Invitae), Labcorp
Classification: Uncertain significance for Cardiomyopathy, familial restrictive, 3; Hypertrophic cardiomyopathy 2; Dilated cardiomyopathy 1D. Last evaluated: 2025-11-17. Review status: criteria provided, single submitter. Criteria: Invitae Variant Classification Sherloc (09022015). Collection method: clinical testing. Allele origin: germline.
Comment: This sequence change replaces glutamic acid, which is acidic and polar, with lysine, which is basic and polar, at codon 39 of the TNNT2 protein (p.Glu39Lys). This variant is present in population databases (rs757526942, gnomAD 0.01%). This missense change has been observed in individual(s) with dilated cardiomyopathy (PMID: 24037902, 37652022). ClinVar contains an entry for this variant (Variation ID: 918201). Invitae Evidence Modeling of protein sequence and biophysical properties (such as structural, functional, and spatial information, amino acid conservation, physicochemical variation, residue mobility, and thermodynamic stability) indicates that this missense variant is expected to disrupt TNNT2 protein function with a positive predictive value of 95%. In summary, the available evidence is currently insufficient to determine the role of this variant in disease. Therefore, it has been classified as a Variant of Uncertain Significance.

Ambry Genetics
Classification: Uncertain significance for Cardiovascular phenotype. Last evaluated: 2025-08-31. Review status: criteria provided, single submitter. Criteria: Ambry Variant Classification Scheme 2023. Collection method: clinical testing. Allele origin: germline.
Comment: The p.E39K variant (also known as c.115G>A), located in coding exon 4 of the TNNT2 gene, results from a G to A substitution at nucleotide position 115. The glutamic acid at codon 39 is replaced by lysine, an amino acid with similar properties. This alteration has been reported in a dilated cardiomyopathy (DCM) cohort; however, clinical details were limited (Hirtle-Lewis M et al. Clin Cardiol, 2013 Oct;36:628-33). Additionally, this alteration was detected in a case report of siblings with left ventricular non-compaction (LVNC) cardiomyopathy (Ghani A et al. Eur Heart J Cardiovasc Imaging, 2016 Feb;17:146-53). This amino acid position is well conserved in available vertebrate species. In addition, the in silico prediction for this alteration is inconclusive. Since supporting evidence is limited at this time, the clinical significance of this alteration remains unclear.

Genome-Nilou Lab
Classification: Uncertain significance for Dilated cardiomyopathy 1D. Last evaluated: 2023-11-04. Review status: criteria provided, single submitter. Criteria: ACMG Guidelines, 2015. Collection method: clinical testing. Allele origin: germline. Affected: no.

Genome-Nilou Lab
Classification: Uncertain significance for Cardiomyopathy, familial restrictive, 3. Last evaluated: 2023-11-04. Review status: criteria provided, single submitter. Criteria: ACMG Guidelines, 2015. Collection method: clinical testing. Allele origin: germline. Affected: no.

Genome-Nilou Lab
Classification: Uncertain significance for Hypertrophic cardiomyopathy 2. Last evaluated: 2023-11-04. Review status: criteria provided, single submitter. Criteria: ACMG Guidelines, 2015. Collection method: clinical testing. Allele origin: germline. Affected: no.

All of Us Research Program, National Institutes of Health
Classification: Uncertain significance for Cardiomyopathy. Last evaluated: 2023-10-30. Review status: criteria provided, single submitter. Criteria: ACMG Guidelines, 2015. Collection method: clinical testing. Allele origin: germline. Inheritance: Autosomal dominant inheritance. Observed: 2 variant alleles, 2 heterozygotes.
Comment: This study involves interpretation of variants in research participants for the purpose of population health screening. Participant phenotype was not available at the time of variant classification. Additional details can be found in publication PMID: 35346344, PMCID: PMC8962531

Color Diagnostics, LLC DBA Color Health
Classification: Uncertain significance for Cardiomyopathy. Last evaluated: 2021-05-10. Review status: criteria provided, single submitter. Criteria: ACMG Guidelines, 2015. Collection method: clinical testing. Allele origin: germline.
Comment: This missense variant replaces glutamic acid with lysine at codon 39 of the TNNT2 protein. Computational prediction suggests that this variant may not impact protein structure and function (internally defined REVEL score threshold <= 0.5, PMID: 27666373). To our knowledge, functional studies have not been reported for this variant. This variant been reported in an individual affected with dilated cardiomyopathy (PMID: 24037902) and in an individual affected with left ventricular noncompaction and mitral valve prolapse, with a family history of cardiomyopathy (PMID: 26578652). This variant has been identified in 3/251436 chromosomes in the general population by the Genome Aggregation Database (gnomAD). The available evidence is insufficient to determine the role of this variant in disease conclusively. Therefore, this variant is classified as a Variant of Uncertain Significance.

Genetics and Molecular Pathology, SA Pathology
Classification: Uncertain significance for Hypertrophic cardiomyopathy 2. Last evaluated: 2021-05-04. Review status: criteria provided, single submitter. Criteria: ACMG Guidelines, 2015. Collection method: clinical testing. Allele origin: germline. Affected: yes.
Comment: The TNNT2 c.145G>A variant is classified as VUS (PM2)

Literature cited by the submitters: PubMed 24037902 (cited by Labcorp Genetics (formerly Invitae), Labcorp and Ambry Genetics); PubMed 37652022 (cited by Labcorp Genetics (formerly Invitae), Labcorp); PubMed 26453544 (cited by Ambry Genetics).